The following is an entry in ClinVar:

ClinVar aggregate classification (germline): Uncertain significance (1 of 4 stars; one submission).

Conditions:
Hereditary spastic paraplegia 11. Also called: Spastic Paraplegia 11; SPASTIC PARAPLEGIA, AUTOSOMAL RECESSIVE, COMPLICATED, WITH THIN CORPUS CALLOSUM; SPASTIC PARAPLEGIA, AUTOSOMAL RECESSIVE, WITH MENTAL IMPAIRMENT AND THIN CORPUS CALLOSUM; Nakamura Osame syndrome; Autosomal recessive hereditary spastic paraplegia, mental impairment, and thin corpus callosum; Spastic paraplegia, mental retardation and thin corpus callosum. Identifiers: Orphanet 2822, MedGen C1858479, MONDO:0011445, OMIM 604360.

Allele frequency attached by ClinVar (database versions not stated): gnomAD exomes 0.00001.
gnomAD v4.1: 3 of 1,614,172 alleles (0.00019%); highest among the groups gnomAD compares: Middle Eastern, 0.033%; 1 homozygote.

Submission:

Labcorp Genetics (formerly Invitae), Labcorp
Classification: Uncertain significance for Hereditary spastic paraplegia 11. Last evaluated: 2020-07-15. Review status: criteria provided, single submitter. Criteria: Invitae Variant Classification Sherloc (09022015). Collection method: clinical testing. Allele origin: germline.
Comment: In summary, the available evidence is currently insufficient to determine the role of this variant in disease. Therefore, it has been classified as a Variant of Uncertain Significance. Algorithms developed to predict the effect of missense changes on protein structure and function (SIFT, PolyPhen-2, Align-GVGD) all suggest that this variant is likely to be disruptive, but these predictions have not been confirmed by published functional studies and their clinical significance is uncertain. This variant has not been reported in the literature in individuals with SPG11-related conditions. This variant is not present in population databases (ExAC no frequency). This sequence change replaces alanine with valine at codon 2268 of the SPG11 protein (p.Ala2268Val). The alanine residue is highly conserved and there is a small physicochemical difference between alanine and valine.

NM_025137.4(SPG11):c.6803C>T (p.Ala2268Val)

Gene: SPG11 (SPG11 vesicle trafficking associated, spatacsin; minus strand). Cytogenetic location: 15q21.1.
Variant type: single nucleotide variant.
Coding change: c.6803C>T on transcript NM_025137.4 (MANE Select); coding-DNA position 6803, C replaced by T.
Protein change: p.Ala2268Val; replaces alanine 2268 with valine.
Molecular consequence: missense variant.
Genome position (GRCh38, 1-based): chr15:44,566,257, G>A on the plus strand (C>T on the coding strand, the complement: SPG11 is on the minus strand). VCF-style: chr15-44566257-G-A. GRCh37 (hg19) VCF-style: chr15-44858455-G-A.
Other names: c.6464C>T, p.Ala2155Val (NM_001160227.2); short protein forms A2155V, A2268V.
Identifiers: ClinVar variation 1001781 (VCV001001781.8), dbSNP rs2082306504, ClinGen allele CA392213751.